The following is an entry in ClinVar:

ClinVar aggregate classification (germline): Uncertain significance (1 of 4 stars; one submission).

Conditions:
Inborn genetic diseases. Identifiers: MedGen C0950123, MeSH D030342.

Allele frequency attached by ClinVar (database versions not stated): TOPMed below 0.00001; ExAC 0.00001; ESP Exome Variant Server 0.00008.

Submission:

Ambry Genetics
Classification: Uncertain significance for Inborn genetic diseases. Last evaluated: 2022-10-27. Review status: criteria provided, single submitter. Criteria: Ambry Variant Classification Scheme 2023. Collection method: clinical testing. Allele origin: germline.
Comment: The p.K346T variant (also known as c.1037A>C), located in coding exon 9 of the LRRK2 gene, results from an A to C substitution at nucleotide position 1037. The lysine at codon 346 is replaced by threonine, an amino acid with similar properties. This amino acid position is conserved. In addition, this alteration is predicted to be tolerated by in silico analysis. Since supporting evidence is limited at this time, the clinical significance of this alteration remains unclear.

NM_198578.4(LRRK2):c.1037A>C (p.Lys346Thr)

Gene: LRRK2 (leucine rich repeat kinase 2; plus strand). Cytogenetic location: 12q12.
Variant type: single nucleotide variant.
Coding change: c.1037A>C on transcript NM_198578.4 (MANE Select); coding-DNA position 1037, A replaced by C.
Protein change: p.Lys346Thr; replaces lysine 346 with threonine.
Molecular consequence: missense variant.
Genome position (GRCh38, 1-based): chr12:40,251,310, A>C. VCF-style: chr12-40251310-A-C. GRCh37 (hg19) VCF-style: chr12-40645112-A-C.
Other names: short protein forms K346T.
Identifiers: ClinVar variation 1772813 (VCV001772813.2), dbSNP rs368123045, ClinGen allele CA6513260.